The following is an entry in ClinVar:

NM_015192.4(PLCB1):c.1167+5A>G

Gene: PLCB1 (phospholipase C beta 1; plus strand). Cytogenetic location: 20p12.3.
Variant type: single nucleotide variant.
Coding change: c.1167+5A>G on transcript NM_015192.4 (MANE Select); 5 bases into the intron after coding-DNA position 1167, A replaced by G.
Molecular consequence: intron variant.
Genome position (GRCh38, 1-based): chr20:8,697,788, A>G. VCF-style: chr20-8697788-A-G. GRCh37 (hg19) VCF-style: chr20-8678435-A-G.
Other names: c.1167+5A>G (NM_182734.3).
Identifiers: ClinVar variation 1930578 (VCV001930578.3), dbSNP rs1437989966, ClinGen allele CA634430498.

ClinVar aggregate classification (germline): Uncertain significance (1 of 4 stars; one submission).

Conditions:
Developmental and epileptic encephalopathy, 12 (DEE12). Identifiers: MedGen C3150988, MONDO:0013389, OMIM 613722.

Allele frequency attached by ClinVar (database versions not stated): gnomAD exomes below 0.00001; TOPMed 0.00002.
gnomAD v4.1: 1 of 1,613,938 alleles (0.000062%); highest among the groups gnomAD compares: Admixed American, 0.0017%; no homozygotes.

Submission:

Labcorp Genetics (formerly Invitae), Labcorp
Classification: Uncertain significance for Developmental and epileptic encephalopathy, 12. Last evaluated: 2026-01-26. Review status: criteria provided, single submitter. Criteria: Invitae Variant Classification Sherloc (09022015). Collection method: clinical testing. Allele origin: germline.
Comment: This sequence change falls in intron 11 of the PLCB1 gene. It does not directly change the encoded amino acid sequence of the PLCB1 protein. It affects a nucleotide within the consensus splice site. This variant is present in population databases (no rsID available, gnomAD 0.003%). This variant has not been reported in the literature in individuals affected with PLCB1-related conditions. ClinVar contains an entry for this variant (Variation ID: 1930578). Variants that disrupt the consensus splice site are a relatively common cause of aberrant splicing (PMID: 17576681, 9536098). Algorithms developed to predict the effect of sequence changes on RNA splicing suggest that this variant is not likely to affect RNA splicing. In summary, the available evidence is currently insufficient to determine the role of this variant in disease. Therefore, it has been classified as a Variant of Uncertain Significance.

Literature cited by the submitters: PubMed 17576681; PubMed 9536098.